The following is an entry in ClinVar:

NM_000131.4(F7):c.-60T>C

Gene: F7 (coagulation factor VII; plus strand). Cytogenetic location: 13q34.
Variant type: single nucleotide variant.
Coding change: c.-60T>C on transcript NM_000131.4; 60 bases upstream of the start codon, T replaced by C.
Genome position (GRCh38, 1-based): chr13:113,105,782, T>C. VCF-style: chr13-113105782-T-C. GRCh37 (hg19) VCF-style: chr13-113760096-T-C.
Other names: p.?.
Identifiers: ClinVar variation 3575768 (VCV003575768.2).
Genomic context (GRCh38, chr13:113,105,782, plus strand): 5'-CAGAGGACGCCTGTGTCCTCCCCTCCCCCATCCCTCTGTCACCCTTGGAGGCAGAGAACT[T>C]TGCCCGTCAGTCCCATGGGGAATGTCAACAGGCAGGGGCAGCACTGCAGAGATTTCATCA-3'

ClinVar aggregate classification (germline): Conflicting classifications of pathogenicity. Review status: criteria provided, conflicting classifications (1 of 4 stars). 2 submissions from 2 submitters: Likely pathogenic (1); Uncertain significance (1). Last evaluated 2024-12-26.

Conditions:
Congenital factor VII deficiency. Identifiers: Orphanet 327, MedGen C0272320, MONDO:0009211, OMIM 227500.
Myocardial infarction, susceptibility to. Identifiers: MedGen C1832662, MONDO:0012039, OMIM 608446.

Submissions (2):

Mayo Clinic Laboratories, Mayo Clinic
Classification: Likely pathogenic. Last evaluated: 2024-12-26. Review status: criteria provided, single submitter. Criteria: ACMG Guidelines, 2015. Collection method: clinical testing. Allele origin: germline. Observed: 1 variant allele.
Comment: PM2_supporting, PM3, PS3_moderate, PS4_moderate

Fulgent Genetics
Classification: Uncertain significance for Congenital factor VII deficiency; Myocardial infarction, susceptibility to. Last evaluated: 2024-06-13. Review status: criteria provided, single submitter. Criteria: ACMG Guidelines, 2015. Collection method: clinical testing. Allele origin: germline.

Literature cited by the submitters: PubMed 11139238 (cited by Mayo Clinic Laboratories, Mayo Clinic); PubMed 21760481 (cited by Mayo Clinic Laboratories, Mayo Clinic); PubMed 22628013 (cited by Mayo Clinic Laboratories, Mayo Clinic).